The following is an entry in ClinVar:

ClinVar aggregate classification (germline): Pathogenic (1 of 4 stars; one submission).

Submission:

Labcorp Genetics (formerly Invitae), Labcorp
Classification: Pathogenic. Last evaluated: 2020-04-07. Review status: criteria provided, single submitter. Criteria: Invitae Variant Classification Sherloc (09022015). Collection method: clinical testing. Allele origin: germline.
Comment: This variant is an in-frame deletion of the genomic region encompassing exon(s) 2-3 of the RS1 gene. It preserves the integrity of the reading frame. A similar deletion of exons 2-3 has been reported in individuals affected with retinoschisis (PMID: 30652005, 29739629). This variant disrupts the p.Cys59 amino acid residue in RS1. Other variant(s) that disrupt this residue have been determined to be pathogenic (PMID: 9618178, 23288992, 19849666, 27995734). This suggests that this residue is clinically significant, and that variants that disrupt this residue are likely to be disease-causing. For these reasons, this variant has been classified as Pathogenic.

Literature cited by the submitters: PubMed 30652005; PubMed 29739629; PubMed 9618178; PubMed 23288992; PubMed 19849666; PubMed 27995734.

NC_000023.10:g.(?_18674761)_(18675795_?)del

Gene: RS1 (retinoschisin 1; minus strand). Cytogenetic location: Xp22.13.
Variant type: Deletion.
Identifiers: ClinVar variation 1068998 (VCV001068998.1).